The following is an entry in ClinVar:

ClinVar aggregate classification (germline): Uncertain significance (1 of 4 stars; one submission).

Conditions:
Charcot-Marie-Tooth disease type 2. Also called: Charcot-Marie-Tooth type 2. Identifiers: Orphanet 64746, MedGen C0270914, MONDO:0018993.

gnomAD v4.1: 5 of 1,614,232 alleles (0.00031%); highest among the groups gnomAD compares: South Asian, 0.0022%; no homozygotes.

Submission:

Labcorp Genetics (formerly Invitae), Labcorp
Classification: Uncertain significance for Charcot-Marie-Tooth disease type 2. Last evaluated: 2024-01-06. Review status: criteria provided, single submitter. Criteria: Invitae Variant Classification Sherloc (09022015). Collection method: clinical testing. Allele origin: germline.
Comment: This sequence change replaces glycine, which is neutral and non-polar, with serine, which is neutral and polar, at codon 929 of the AARS protein (p.Gly929Ser). This variant is present in population databases (rs750827192, gnomAD 0.003%). This variant has not been reported in the literature in individuals affected with AARS-related conditions. ClinVar contains an entry for this variant (Variation ID: 2179721). Advanced modeling of protein sequence and biophysical properties (such as structural, functional, and spatial information, amino acid conservation, physicochemical variation, residue mobility, and thermodynamic stability) has been performed at Invitae for this missense variant, however the output from this modeling did not meet the statistical confidence thresholds required to predict the impact of this variant on AARS protein function. In summary, the available evidence is currently insufficient to determine the role of this variant in disease. Therefore, it has been classified as a Variant of Uncertain Significance.

NM_001605.3(AARS1):c.2785G>A (p.Gly929Ser)

Gene: AARS1 (alanyl-tRNA synthetase 1; minus strand). Cytogenetic location: 16q22.1.
Variant type: single nucleotide variant.
Coding change: c.2785G>A on transcript NM_001605.3 (MANE Select); coding-DNA position 2785, G replaced by A.
Protein change: p.Gly929Ser; replaces glycine 929 with serine.
Molecular consequence: missense variant.
Genome position (GRCh38, 1-based): chr16:70,252,843, C>T on the plus strand (G>A on the coding strand, the complement: AARS1 is on the minus strand). VCF-style: chr16-70252843-C-T. GRCh37 (hg19) VCF-style: chr16-70286746-C-T.
Other names: short protein forms G929S.
Identifiers: ClinVar variation 2179721 (VCV002179721.4), dbSNP rs750827192, ClinGen allele CA8140267.